The following is an entry in ClinVar:

NM_001199397.3(NEK1):c.309T>A (p.Asp103Glu)

Gene: NEK1 (NIMA related kinase 1; minus strand). Cytogenetic location: 4q33.
Variant type: single nucleotide variant.
Coding change: c.309T>A on transcript NM_001199397.3 (MANE Select); coding-DNA position 309, T replaced by A.
Protein change: p.Asp103Glu; replaces aspartic acid 103 with glutamic acid.
Molecular consequence: missense variant.
Genome position (GRCh38, 1-based): chr4:169,599,103, A>T on the plus strand (T>A on the coding strand, the complement: NEK1 is on the minus strand). VCF-style: chr4-169599103-A-T. GRCh37 (hg19) VCF-style: chr4-170520254-A-T.
Other names: c.309T>A, p.Asp103Glu (NM_001199398.3, NM_001199399.3, NM_001199400.3 and 7 more transcripts); short protein forms D103E.
Identifiers: ClinVar variation 2909864 (VCV002909864.3), dbSNP rs760763407, ClinGen allele CA3138061.

ClinVar aggregate classification (germline): Uncertain significance (1 of 4 stars; one submission).

Conditions:
Short-rib thoracic dysplasia 6 with or without polydactyly (SRTD6). Also called: POLYDACTYLY WITH NEONATAL CHONDRODYSTROPHY, TYPE II; SHORT RIB-POLYDACTYLY SYNDROME, TYPE IIA; Majewski Syndrome; SHORT-RIB THORACIC DYSPLASIA 6 WITH POLYDACTYLY; SHORT-RIB THORACIC DYSPLASIA 6 WITHOUT POLYDACTYLY. Identifiers: MedGen C0024507, MONDO:0009894, OMIM 263520.

Allele frequency attached by ClinVar (database versions not stated): gnomAD 0.00001; ExAC 0.00004.
gnomAD v4.1: 25 of 1,612,084 alleles (0.0016%); highest among the groups gnomAD compares: South Asian, 0.0099%; no homozygotes.

Submission:

Labcorp Genetics (formerly Invitae), Labcorp
Classification: Uncertain significance for Short-rib thoracic dysplasia 6 with or without polydactyly. Last evaluated: 2024-01-09. Review status: criteria provided, single submitter. Criteria: Invitae Variant Classification Sherloc (09022015). Collection method: clinical testing. Allele origin: germline.
Comment: This sequence change replaces aspartic acid, which is acidic and polar, with glutamic acid, which is acidic and polar, at codon 103 of the NEK1 protein (p.Asp103Glu). This variant is present in population databases (rs760763407, gnomAD 0.007%). This variant has not been reported in the literature in individuals affected with NEK1-related conditions. Advanced modeling of protein sequence and biophysical properties (such as structural, functional, and spatial information, amino acid conservation, physicochemical variation, residue mobility, and thermodynamic stability) performed at Invitae indicates that this missense variant is not expected to disrupt NEK1 protein function with a negative predictive value of 95%. In summary, the available evidence is currently insufficient to determine the role of this variant in disease. Therefore, it has been classified as a Variant of Uncertain Significance.